The following is an entry in ClinVar:

ClinVar aggregate classification (germline): Pathogenic (1 of 4 stars; one submission).

Submission:

GeneDx
Classification: Pathogenic. Last evaluated: 2025-02-17. Review status: criteria provided, single submitter. Criteria: GeneDx Variant Classification Process June 2021. Collection method: clinical testing. Allele origin: germline. Affected: yes.
Comment: Not observed at significant frequency in large population cohorts (gnomAD); In silico analysis supports that this missense variant has a deleterious effect on protein structure/function; This variant is associated with the following publications: (PMID: 38383446)

NM_145331.3(MAP3K7):c.560C>T (p.Thr187Ile)

Gene: MAP3K7 (mitogen-activated protein kinase kinase kinase 7; minus strand). Cytogenetic location: 6q15.
Variant type: single nucleotide variant.
Coding change: c.560C>T on transcript NM_145331.3 (MANE Select); coding-DNA position 560, C replaced by T.
Protein change: p.Thr187Ile; replaces threonine 187 with isoleucine.
Molecular consequence: missense variant.
Genome position (GRCh38, 1-based): chr6:90,556,547, G>A on the plus strand (C>T on the coding strand, the complement: MAP3K7 is on the minus strand). VCF-style: chr6-90556547-G-A. GRCh37 (hg19) VCF-style: chr6-91266266-G-A.
Other names: c.560C>T, p.Thr187Ile (NM_003188.4, NM_145332.3, NM_145333.3); short protein forms T187I.
Identifiers: ClinVar variation 4075719 (VCV004075719.1).